The following is an entry in ClinVar:

NM_000128.4(F11):c.756A>T (p.Arg252Ser)

Gene: F11 (coagulation factor XI; plus strand). Cytogenetic location: 4q35.2.
Variant type: single nucleotide variant.
Coding change: c.756A>T on transcript NM_000128.4 (MANE Select); coding-DNA position 756, A replaced by T.
Protein change: p.Arg252Ser; replaces arginine 252 with serine.
Molecular consequence: missense variant.
Genome position (GRCh38, 1-based): chr4:186,280,012, A>T. VCF-style: chr4-186280012-A-T. GRCh37 (hg19) VCF-style: chr4-187201166-A-T.
Other names: short protein forms R252S.
Identifiers: ClinVar variation 555730 (VCV000555730.4), dbSNP rs1441160252, ClinGen allele CA358936879.

ClinVar aggregate classification (germline): Uncertain significance. Review status: criteria provided, multiple submitters, no conflicts (2 of 4 stars). 3 submissions from 3 submitters: Uncertain significance (2). 1 of the submissions does not count toward it. Last evaluated 2026-07-21.

Conditions:
Hereditary factor XI deficiency disease. Also called: Congenital factor XI deficiency; PLASMA THROMBOPLASTIN ANTECEDENT DEFICIENCY; PTA DEFICIENCY; ROSENTHAL SYNDROME. Identifiers: Orphanet 329, MedGen C0015523, MeSH D005173, MONDO:0012897, OMIM 612416.

Allele frequency attached by ClinVar (database versions not stated): gnomAD exomes below 0.00001; TOPMed below 0.00001.

Submissions (3):

Myriad Genetics, Inc.
Classification: Uncertain significance for Hereditary factor XI deficiency disease. Last evaluated: 2026-07-21. Review status: criteria provided, single submitter. Criteria: Myriad Autosomal Dominant, Autosomal Recessive and X-Linked Classification Criteria (2023). Collection method: clinical testing. Allele origin: unknown.
Comment: NM_000128.3(F11):c.756A>T(R252S) is a missense variant classified as a variant of uncertain significance in the context of factor XI deficiency. R252S has been observed in cases with relevant disease (PMID: 36195107, 16835901, 20398070). Relevant functional assessments of this variant are not available in the literature. R252S has been observed in referenced population frequency databases. In summary, there is insufficient evidence to classify NM_000128.3(F11):c.756A>T(R252S) as pathogenic or benign. Please note: this variant was assessed in the context of healthy population screening.

GeneDx
Classification: Uncertain significance. Last evaluated: 2025-03-24. Review status: criteria provided, single submitter. Criteria: GeneDx Variant Classification Process June 2021. Collection method: clinical testing. Allele origin: germline. Affected: yes.
Comment: In silico analysis supports that this missense variant has a deleterious effect on protein structure/function; Not observed at significant frequency in large population cohorts (gnomAD); In silico analysis is inconclusive as to whether the variant alters gene splicing. In the absence of RNA/functional studies, the actual effect of this sequence change is unknown.; This variant is associated with the following publications: (PMID: 37647632, 16835901, 20398070, 36195107, 19652879)

Counsyl
Classification: Uncertain significance for Hereditary factor XI deficiency disease. Last evaluated: 2017-12-28. Review status: no assertion criteria provided. Collection method: clinical testing. Allele origin: unknown. Not counted in ClinVar's aggregate classification.

Literature cited by the submitters: PubMed 16835901 (cited by Myriad Genetics, Inc. and Counsyl); PubMed 20398070 (cited by Myriad Genetics, Inc. and Counsyl); PubMed 36195107 (cited by Myriad Genetics, Inc.).